The following is an entry in ClinVar:

NM_002529.4(NTRK1):c.590A>C (p.Lys197Thr)

Gene: NTRK1 (neurotrophic receptor tyrosine kinase 1; plus strand). Cytogenetic location: 1q23.1.
Variant type: single nucleotide variant.
Coding change: c.590A>C on transcript NM_002529.4 (MANE Select); coding-DNA position 590, A replaced by C.
Protein change: p.Lys197Thr; replaces lysine 197 with threonine.
Molecular consequence: missense variant.
Genome position (GRCh38, 1-based): chr1:156,868,520, A>C. VCF-style: chr1-156868520-A-C. GRCh37 (hg19) VCF-style: chr1-156838312-A-C.
Other names: c.500A>C, p.Lys167Thr (NM_001007792.1); c.590A>C, p.Lys197Thr (NM_001012331.2); short protein forms K197T, K167T.
Identifiers: ClinVar variation 652845 (VCV000652845.8), dbSNP rs753902046, ClinGen allele CA342934195.
Genomic context (GRCh38, chr1:156,868,520, plus strand): 5'-CCCAGCTCTAACACCCCTTGGCCCTCGGGCGTCCTGGGTGGCCAGGTGTGCCCACGCTGA[A>C]GGTCCAGGTGCCCAATGCCTCGGTGGATGTGGGGGACGACGTGCTGCTGCGGTGCCAGGT-3'
Protein context (NP_002520.2, residues 187-207): PNASCGVPTL[Lys197Thr]VQVPNASVDV

ClinVar aggregate classification (germline): Uncertain significance (1 of 4 stars; one submission).

Conditions:
Hereditary insensitivity to pain with anhidrosis (CIPA). Also called: NEUROPATHY, CONGENITAL SENSORY, WITH ANHIDROSIS; NTRK1 Congenital Insensitivity to Pain with Anhidrosis; INSENSITIVITY TO PAIN, CONGENITAL, WITH ANHIDROSIS; FAMILIAL DYSAUTONOMIA, TYPE II; hereditary sensory and autonomic neuropathy type 4; HSAN Type IV. Identifiers: Orphanet 642, MedGen C0020074, MONDO:0009746, OMIM 256800.

Submission:

Labcorp Genetics (formerly Invitae), Labcorp
Classification: Uncertain significance for Hereditary insensitivity to pain with anhidrosis. Last evaluated: 2022-07-12. Review status: criteria provided, single submitter. Criteria: Invitae Variant Classification Sherloc (09022015). Collection method: clinical testing. Allele origin: germline.
Comment: This sequence change replaces lysine, which is basic and polar, with threonine, which is neutral and polar, at codon 197 of the NTRK1 protein (p.Lys197Thr). This variant is not present in population databases (gnomAD no frequency). This variant has not been reported in the literature in individuals affected with NTRK1-related conditions. ClinVar contains an entry for this variant (Variation ID: 652845). Advanced modeling of protein sequence and biophysical properties (such as structural, functional, and spatial information, amino acid conservation, physicochemical variation, residue mobility, and thermodynamic stability) performed at Invitae indicates that this missense variant is not expected to disrupt NTRK1 protein function. In summary, the available evidence is currently insufficient to determine the role of this variant in disease. Therefore, it has been classified as a Variant of Uncertain Significance.